The following is an entry in ClinVar:

NM_014633.5(CTR9):c.601C>T (p.Arg201Cys)

Gene: CTR9 (CTR9 component of Paf1/RNA polymerase II complex; plus strand). Cytogenetic location: 11p15.4.
Variant type: single nucleotide variant.
Coding change: c.601C>T on transcript NM_014633.5 (MANE Select); coding-DNA position 601, C replaced by T.
Protein change: p.Arg201Cys; replaces arginine 201 with cysteine.
Molecular consequence: missense variant.
Genome position (GRCh38, 1-based): chr11:10,760,181, C>T. VCF-style: chr11-10760181-C-T. GRCh37 (hg19) VCF-style: chr11-10781728-C-T.
Other names: c.601C>T, p.Arg201Cys (NM_001346279.2); short protein forms R201C.
Identifiers: ClinVar variation 1421140 (VCV001421140.8), dbSNP rs748147577, ClinGen allele CA5884917.

ClinVar aggregate classification (germline): Uncertain significance (1 of 4 stars; one submission).

Allele frequency attached by ClinVar (database versions not stated): TOPMed below 0.00001; ExAC 0.00001; gnomAD 0.00001; gnomAD exomes 0.00002 and 0.00005.
gnomAD v4.1: 68 of 1,612,924 alleles (0.0042%); highest among the groups gnomAD compares: Non-Finnish European, 0.0055%; no homozygotes.

Submission:

Labcorp Genetics (formerly Invitae), Labcorp
Classification: Uncertain significance. Last evaluated: 2025-05-27. Review status: criteria provided, single submitter. Criteria: Invitae Variant Classification Sherloc (09022015). Collection method: clinical testing. Allele origin: germline.
Comment: This sequence change replaces arginine, which is basic and polar, with cysteine, which is neutral and slightly polar, at codon 201 of the CTR9 protein (p.Arg201Cys). This variant is present in population databases (rs748147577, gnomAD 0.004%). This variant has not been reported in the literature in individuals affected with CTR9-related conditions. ClinVar contains an entry for this variant (Variation ID: 1421140). An algorithm developed to predict the effect of missense changes on protein structure and function (PolyPhen-2) suggests that this variant is likely to be disruptive. Algorithms developed to predict the effect of sequence changes on RNA splicing suggest that this variant may disrupt the consensus splice site. In summary, the available evidence is currently insufficient to determine the role of this variant in disease. Therefore, it has been classified as a Variant of Uncertain Significance.